The following is an entry in ClinVar:

NM_144508.5(KNL1):c.4208C>G (p.Thr1403Ser)

Gene: KNL1 (kinetochore scaffold 1; plus strand). Cytogenetic location: 15q15.1.
Variant type: single nucleotide variant.
Coding change: c.4208C>G on transcript NM_144508.5 (MANE Select); coding-DNA position 4208, C replaced by G.
Protein change: p.Thr1403Ser; replaces threonine 1403 with serine.
Molecular consequence: missense variant.
Genome position (GRCh38, 1-based): chr15:40,624,472, C>G. VCF-style: chr15-40624472-C-G. GRCh37 (hg19) VCF-style: chr15-40916670-C-G.
Other names: c.4286C>G, p.Thr1429Ser (NM_170589.5); short protein forms T1429S, T1403S.
Identifiers: ClinVar variation 2391283 (VCV002391283.2), dbSNP rs770847630, ClinGen allele CA7483139.
Genomic context (GRCh38, chr15:40,624,472, plus strand): 5'-TAACACTGCACAAAGATCAAGATCTGATTAAGGATCCACGAAATCTATTGGCTAATCAAA[C>G]TTTAGTATATAGTCAAGATCTGGGGGAGATGACTAAACTTAATTCAAAGCGAGTATCTTT-3'
Protein context (NP_653091.3, residues 1393-1413): KDPRNLLANQ[Thr1403Ser]LVYSQDLGEM

ClinVar aggregate classification (germline): Uncertain significance (1 of 4 stars; one submission).

Conditions:
Inborn genetic diseases. Identifiers: MedGen C0950123, MeSH D030342.

Allele frequency attached by ClinVar (database versions not stated): gnomAD 0.00001.
gnomAD v4.1: 13 of 1,613,644 alleles (0.00081%); highest among the groups gnomAD compares: Admixed American, 0.012%; no homozygotes.

Submission:

Ambry Genetics
Classification: Uncertain significance for Inborn genetic diseases. Last evaluated: 2021-02-12. Review status: criteria provided, single submitter. Criteria: Ambry Variant Classification Scheme 2023. Collection method: clinical testing. Allele origin: germline.
Comment: The c.4286C>G (p.T1429S) alteration is located in exon 11 (coding exon 10) of the KNL1 gene. This alteration results from a C to G substitution at nucleotide position 4286, causing the threonine (T) at amino acid position 1429 to be replaced by a serine (S). The p.T1429S alteration is predicted to be tolerated by in silico analysis. Based on insufficient or conflicting evidence, the clinical significance of this alteration remains unclear.